The following is an entry in ClinVar:

ClinVar aggregate classification (germline): Likely pathogenic. Review status: criteria provided, multiple submitters, no conflicts (2 of 4 stars). 2 submissions from 2 submitters: Likely pathogenic (2). Last evaluated 2023-08-11.

Conditions:
Multiple acyl-CoA dehydrogenase deficiency (MADD). Also called: ETHYLMALONIC-ADIPICACIDURIA; GA II; Glutaric Acidemia type 2; Glutaric aciduria, type 2; Glutaric acidemia type II; GA 2. Identifiers: Orphanet 26791, MedGen C0268596, MONDO:0009282, OMIM 231680.

Allele frequency attached by ClinVar (database versions not stated): gnomAD exomes below 0.00001; TOPMed below 0.00001; ExAC 0.00001; gnomAD 0.00001.
gnomAD v4.1: 3 of 1,581,486 alleles (0.00019%); highest among the groups gnomAD compares: African/African-American, 0.0013%; no homozygotes.

Submissions (2):

Labcorp Genetics (formerly Invitae), Labcorp
Classification: Likely pathogenic for Multiple acyl-CoA dehydrogenase deficiency. Last evaluated: 2023-08-11. Review status: criteria provided, single submitter. Criteria: Invitae Variant Classification Sherloc (09022015). Collection method: clinical testing. Allele origin: germline.
Comment: Algorithms developed to predict the effect of sequence changes on RNA splicing suggest that this variant may disrupt the consensus splice site. This variant has not been reported in the literature in individuals affected with ETFA-related conditions. This variant is present in population databases (rs780367967, gnomAD 0.007%). In summary, the currently available evidence indicates that the variant is pathogenic, but additional data are needed to prove that conclusively. Therefore, this variant has been classified as Likely Pathogenic. This sequence change affects a donor splice site in intron 5 of the ETFA gene. It is expected to disrupt RNA splicing. Variants that disrupt the donor or acceptor splice site typically lead to a loss of protein function (PMID: 16199547), and loss-of-function variants in ETFA are known to be pathogenic (PMID: 16510302, 23785301).

Baylor Genetics
Classification: Likely pathogenic for Multiple acyl-CoA dehydrogenase deficiency. Last evaluated: 2022-08-04. Review status: criteria provided, single submitter. Criteria: ACMG Guidelines, 2015. Collection method: clinical testing. Allele origin: unknown.

Literature cited by the submitters: PubMed 16199547 (cited by Labcorp Genetics (formerly Invitae), Labcorp); PubMed 16510302 (cited by Labcorp Genetics (formerly Invitae), Labcorp); PubMed 23785301 (cited by Labcorp Genetics (formerly Invitae), Labcorp).

NM_000126.4(ETFA):c.451+1G>A

Gene: ETFA (electron transfer flavoprotein subunit alpha; minus strand). Cytogenetic location: 15q24.2.
Variant type: single nucleotide variant.
Coding change: c.451+1G>A on transcript NM_000126.4 (MANE Select); the canonical splice donor site of the intron after coding-DNA position 451, G replaced by A.
Molecular consequence: splice donor variant.
Genome position (GRCh38, 1-based): chr15:76,287,845, C>T on the plus strand (G>A on the coding strand, the complement: ETFA is on the minus strand). VCF-style: chr15-76287845-C-T. GRCh37 (hg19) VCF-style: chr15-76580186-C-T.
Other names: c.304+1G>A (NM_001127716.2).
Identifiers: ClinVar variation 2675086 (VCV002675086.4), dbSNP rs780367967, ClinGen allele CA7673763.
Genomic context (GRCh38, chr15:76,287,845, plus strand): 5'-TTAATTTATGCTTTTCACTAAAATTTAACATGTTGATTAATTATCTTCCTTGAGTACTCA[C>T]CTGCATAAATAGTTCTCACAAATGTGTCAGGTGACTTGATTGCAATGATGTCAGAAATCG-3'